The following is an entry in ClinVar:

NM_006073.4(TRDN):c.772G>T (p.Val258Leu)

Gene: TRDN (triadin; minus strand). Cytogenetic location: 6q22.31.
Variant type: single nucleotide variant.
Coding change: c.772G>T on transcript NM_006073.4 (MANE Select); coding-DNA position 772, G replaced by T.
Protein change: p.Val258Leu; replaces valine 258 with leucine.
Molecular consequence: missense variant.
Genome position (GRCh38, 1-based): chr6:123,503,740, C>A on the plus strand (G>T on the coding strand, the complement: TRDN is on the minus strand). VCF-style: chr6-123503740-C-A. GRCh37 (hg19) VCF-style: chr6-123824885-C-A.
Other names: c.772G>T, p.Val258Leu (NM_001251987.2, NM_001256020.2, NM_001256021.2 and 1 more transcripts); short protein forms V258L.
Identifiers: ClinVar variation 1760355 (VCV001760355.2), dbSNP rs1368380740, ClinGen allele CA365567577.

ClinVar aggregate classification (germline): Uncertain significance (1 of 4 stars; one submission).

Conditions:
Cardiovascular phenotype. Identifiers: MedGen CN230736.

Submission:

Ambry Genetics
Classification: Uncertain significance for Cardiovascular phenotype. Last evaluated: 2022-09-05. Review status: criteria provided, single submitter. Criteria: Ambry Variant Classification Scheme 2023. Collection method: clinical testing. Allele origin: germline.
Comment: The p.V258L variant (also known as c.772G>T), located in coding exon 8 of the TRDN gene, results from a G to T substitution at nucleotide position 772. The valine at codon 258 is replaced by leucine, an amino acid with highly similar properties. This amino acid position is conserved. In addition, this alteration is predicted to be tolerated by in silico analysis. Since supporting evidence is limited at this time, the clinical significance of this alteration remains unclear.